The following is an entry in ClinVar:

ClinVar aggregate classification (germline): Uncertain significance (1 of 4 stars; one submission).

Submission:

Labcorp Genetics (formerly Invitae), Labcorp
Classification: Uncertain significance. Last evaluated: 2022-09-07. Review status: criteria provided, single submitter. Criteria: Invitae Variant Classification Sherloc (09022015). Collection method: clinical testing. Allele origin: germline.
Comment: This sequence change replaces phenylalanine, which is neutral and non-polar, with leucine, which is neutral and non-polar, at codon 235 of the FZD2 protein (p.Phe235Leu). In summary, the available evidence is currently insufficient to determine the role of this variant in disease. Therefore, it has been classified as a Variant of Uncertain Significance. Algorithms developed to predict the effect of missense changes on protein structure and function are either unavailable or do not agree on the potential impact of this missense change (SIFT: "Deleterious"; PolyPhen-2: "Benign"; Align-GVGD: "Class C0"). This variant has not been reported in the literature in individuals affected with FZD2-related conditions. This variant is not present in population databases (gnomAD no frequency).

NM_001466.4(FZD2):c.705C>G (p.Phe235Leu)

Gene: FZD2 (frizzled class receptor 2; plus strand). Cytogenetic location: 17q21.31.
Variant type: single nucleotide variant.
Coding change: c.705C>G on transcript NM_001466.4 (MANE Select); coding-DNA position 705, C replaced by G.
Protein change: p.Phe235Leu; replaces phenylalanine 235 with leucine.
Molecular consequence: missense variant.
Genome position (GRCh38, 1-based): chr17:44,558,393, C>G. VCF-style: chr17-44558393-C-G. GRCh37 (hg19) VCF-style: chr17-42635761-C-G.
Other names: short protein forms F235L.
Identifiers: ClinVar variation 1961348 (VCV001961348.5), dbSNP rs1970852045, ClinGen allele CA399794033.
Genomic context (GRCh38, chr17:44,558,393, plus strand): 5'-TCTGGGCGAGCGTGATTGTGCTGCGCCCTGCGAACCTGCGCGGCCCGATGGTTCCATGTT[C>G]TTCTCACAGGAGGAGACGCGTTTCGCGCGCCTCTGGATCCTCACCTGGTCGGTGCTGTGC-3'
Protein context (NP_001457.1, residues 225-245): CEPARPDGSM[Phe235Leu]FSQEETRFAR